The following is an entry in ClinVar:

ClinVar aggregate classification (germline): Uncertain significance. Review status: criteria provided, multiple submitters, no conflicts (2 of 4 stars). 6 submissions from 6 submitters: Uncertain significance (6). Last evaluated 2025-06-17.

Conditions:
Hereditary cancer-predisposing syndrome. Also called: Tumor predisposition; Hereditary Cancer Syndrome; Hereditary neoplastic syndrome; Neoplastic Syndromes, Hereditary. Identifiers: Orphanet 140162, MedGen C0027672, MeSH D009386, MONDO:0015356.
Familial adenomatous polyposis 1 (FAP1). Also called: FAMILIAL ADENOMATOUS POLYPOSIS 1, ATTENUATED; POLYPOSIS, ADENOMATOUS INTESTINAL. Identifiers: MedGen C2713442, MONDO:0021056, OMIM 175100. Disease mechanism: loss of function.

Allele frequency attached by ClinVar (database versions not stated): TOPMed below 0.00001; gnomAD 0.00001; gnomAD exomes 0.00001; ExAC 0.00002.
gnomAD v4.1: 4 of 1,613,800 alleles (0.00025%); highest among the groups gnomAD compares: East Asian, 0.0022%; no homozygotes.

Submissions (6):

Labcorp Genetics (formerly Invitae), Labcorp
Classification: Uncertain significance for Familial adenomatous polyposis 1. Last evaluated: 2025-06-17. Review status: criteria provided, single submitter. Criteria: Invitae Variant Classification Sherloc (09022015). Collection method: clinical testing. Allele origin: germline.
Comment: This sequence change replaces threonine, which is neutral and polar, with isoleucine, which is neutral and non-polar, at codon 2626 of the APC protein (p.Thr2626Ile). This variant is present in population databases (rs730881268, gnomAD 0.002%). This variant has not been reported in the literature in individuals affected with APC-related conditions. ClinVar contains an entry for this variant (Variation ID: 181827). Invitae Evidence Modeling of protein sequence and biophysical properties (such as structural, functional, and spatial information, amino acid conservation, physicochemical variation, residue mobility, and thermodynamic stability) indicates that this missense variant is not expected to disrupt APC protein function with a negative predictive value of 95%. In summary, the available evidence is currently insufficient to determine the role of this variant in disease. Therefore, it has been classified as a Variant of Uncertain Significance.

Ambry Genetics
Classification: Uncertain significance for Hereditary cancer-predisposing syndrome. Last evaluated: 2024-08-30. Review status: criteria provided, single submitter. Criteria: Ambry Variant Classification Scheme 2023. Collection method: clinical testing. Allele origin: germline.
Comment: The p.T2626I variant (also known as c.7877C>T), located in coding exon 15 of the APC gene, results from a C to T substitution at nucleotide position 7877. The threonine at codon 2626 is replaced by isoleucine, an amino acid with similar properties. This amino acid position is not well conserved in available vertebrate species. In addition, in silico predictors for this gene do not accurately predict pathogenicity. Missense alterations in APC are not a common cause of disease (Spier I et al. Genet Med. 2024 Feb;26(2):100992). Based on the available evidence, the clinical significance of this variant remains unclear.

Baylor Genetics
Classification: Uncertain significance for Familial adenomatous polyposis 1. Last evaluated: 2023-06-09. Review status: criteria provided, single submitter. Criteria: ACMG Guidelines, 2015. Collection method: clinical testing. Allele origin: unknown.

Women's Health and Genetics/Laboratory Corporation of America, LabCorp
Classification: Uncertain significance. Last evaluated: 2023-04-14. Review status: criteria provided, single submitter. Criteria: LabCorp Variant Classification Summary - May 2015. Collection method: clinical testing. Allele origin: germline.

Color Diagnostics, LLC DBA Color Health
Classification: Uncertain significance for Hereditary cancer-predisposing syndrome. Last evaluated: 2022-09-19. Review status: criteria provided, single submitter. Criteria: ACMG Guidelines, 2015. Collection method: clinical testing. Allele origin: germline.
Comment: This missense variant replaces threonine with isoleucine at codon 2626 of the APC protein. Computational prediction suggests that this variant may not impact protein structure and function (internally defined REVEL score threshold <= 0.5, PMID: 27666373). To our knowledge, functional studies have not been reported for this variant. This variant has not been reported in individuals affected with hereditary cancer in the literature. This variant has been identified in 2/250178 chromosomes in the general population by the Genome Aggregation Database (gnomAD). The available evidence is insufficient to determine the role of this variant in disease conclusively. Therefore, this variant is classified as a Variant of Uncertain Significance.

GeneDx
Classification: Uncertain significance. Last evaluated: 2018-09-07. Review status: criteria provided, single submitter. Criteria: GeneDx Variant Classification (06012015). Collection method: clinical testing. Allele origin: germline. Affected: yes.
Comment: This variant is denoted APC c.7877C>T at the cDNA level, p.Thr2626Ile (T2626I) at the protein level, and results in the change of a Threonine to an Isoleucine (ACT>ATT). This variant has not, to our knowledge, been published in the literature as a pathogenic or benign germline variant. APC Thr2626Ile was not observed at a significant allele frequency in large population cohorts (Lek 2016). This variant is located in the EB1 binding domain (Azzopardi 2008). In silico analysis, which includes protein predictors and evolutionary conservation, supports that this variant does not alter protein structure/function. Based on currently available evidence, it is unclear whether APC Thr2626Ile is a pathogenic or benign variant. We consider it to be a variant of uncertain significance.

NM_000038.6(APC):c.7877C>T (p.Thr2626Ile)

Gene: APC (APC regulator of Wnt signaling pathway; plus strand). Cytogenetic location: 5q22.2.
Variant type: single nucleotide variant.
Coding change: c.7877C>T on transcript NM_000038.6 (MANE Select); coding-DNA position 7877, C replaced by T.
Protein change: p.Thr2626Ile; replaces threonine 2626 with isoleucine.
Molecular consequence: missense variant.
Genome position (GRCh38, 1-based): chr5:112,843,471, C>T. VCF-style: chr5-112843471-C-T. GRCh37 (hg19) VCF-style: chr5-112179168-C-T.
Other names: p.T2626I:ACT>ATT; c.7877C>T, p.Thr2626Ile (NM_001127510.3, NM_001354895.2); c.7823C>T, p.Thr2608Ile (NM_001127511.3); c.7931C>T, p.Thr2644Ile (NM_001354896.2); c.7907C>T, p.Thr2636Ile (NM_001354897.2); c.7802C>T, p.Thr2601Ile (NM_001354898.2); c.7793C>T, p.Thr2598Ile (NM_001354899.2); c.7754C>T, p.Thr2585Ile (NM_001354900.2); and 6 more; short protein forms T2608I, T2626I, T2535I, T2466I, T2567I, T2585I, T2343I, T2598I.
Identifiers: ClinVar variation 181827 (VCV000181827.22), dbSNP rs730881268, ClinGen allele CA014137.
Genomic context (GRCh38, chr5:112,843,471, plus strand): 5'-TATCCGCAAAAGGAACATGGAGAAAAATAAAAGAAAATGAATTTTCTCCCACAAATAGTA[C>T]TTCTCAGACCGTTTCCTCAGGTGCTACAAATGGTGCTGAATCAAAGACTCTAATTTATCA-3'
Protein context (NP_000029.2, residues 2616-2636): KENEFSPTNS[Thr2626Ile]SQTVSSGATN